The following is an entry in ClinVar:

ClinVar aggregate classification (germline): Uncertain significance (1 of 4 stars; one submission).

Allele frequency attached by ClinVar (database versions not stated): gnomAD exomes below 0.00001; gnomAD 0.00001.
gnomAD v4.1: 3 of 1,583,482 alleles (0.00019%); highest among the groups gnomAD compares: Admixed American, 0.0036%; no homozygotes.

Submission:

Labcorp Genetics (formerly Invitae), Labcorp
Classification: Uncertain significance. Last evaluated: 2025-02-16. Review status: criteria provided, single submitter. Criteria: Invitae Variant Classification Sherloc (09022015). Collection method: clinical testing. Allele origin: germline.
Comment: This sequence change replaces proline, which is neutral and non-polar, with serine, which is neutral and polar, at codon 15 of the MICAL1 protein (p.Pro15Ser). This variant is not present in population databases (gnomAD no frequency). This variant has not been reported in the literature in individuals affected with MICAL1-related conditions. ClinVar contains an entry for this variant (Variation ID: 2919596). Experimental studies and prediction algorithms are not available or were not evaluated, and the functional significance of this variant is currently unknown. In summary, the available evidence is currently insufficient to determine the role of this variant in disease. Therefore, it has been classified as a Variant of Uncertain Significance.

NM_022765.4(MICAL1):c.-15C>T

Gene: MICAL1 (microtubule associated monooxygenase, calponin and LIM domain containing 1; minus strand). Cytogenetic location: 6q21.
Variant type: single nucleotide variant.
Coding change: c.-15C>T on transcript NM_022765.4 (MANE Select); 15 bases upstream of the start codon, C replaced by T.
Molecular consequence: 5 prime UTR variant. On other transcripts: missense variant (1).
Genome position (GRCh38, 1-based): chr6:109,454,211, G>A on the plus strand (C>T on the coding strand, the complement: MICAL1 is on the minus strand). VCF-style: chr6-109454211-G-A. GRCh37 (hg19) VCF-style: chr6-109775414-G-A.
Other names: c.-15C>T (NM_001159291.2); c.43C>T, p.Pro15Ser (NM_001286613.2); short protein forms P15S.
Identifiers: ClinVar variation 2919596 (VCV002919596.3), dbSNP rs1775659164, ClinGen allele CA365234687.